The following is an entry in ClinVar:

NM_018993.4(RIN2):c.277del (p.Thr93fs)

Gene: RIN2 (Ras and Rab interactor 2; plus strand). Cytogenetic location: 20p11.23.
Variant type: Deletion.
Coding change: c.277del on transcript NM_018993.4 (MANE Select); coding-DNA position 277, one base deleted (A; older notation c.277delA).
Protein change: p.Thr93fs; shifts the reading frame from threonine 93.
Molecular consequence: frameshift variant. On other transcripts: 5 prime UTR variant (1).
Genome position (GRCh38, 1-based): chr20:19,956,733, A deleted. VCF-style (leftmost placement, unchanged base first): chr20-19956732-CA-C. GRCh37 (hg19) VCF-style: chr20-19937376-CA-C.
Other names: c.424del, p.Thr142fs (NM_001242581.2); c.-269del (NM_001378238.1); short protein forms T142fs, T93fs.
Identifiers: ClinVar variation 3769812 (VCV003769812.1).

ClinVar aggregate classification (germline): Likely pathogenic (1 of 4 stars; one submission).

Submission:

GeneDx
Classification: Likely pathogenic. Last evaluated: 2024-09-16. Review status: criteria provided, single submitter. Criteria: GeneDx Variant Classification Process June 2021. Collection method: clinical testing. Allele origin: germline. Affected: yes.
Comment: Frameshift variant predicted to result in protein truncation or nonsense mediated decay in a gene for which loss of function is a known mechanism of disease; Has not been previously published as pathogenic or benign to our knowledge; Not observed at significant frequency in large population cohorts (gnomAD)